The following is an entry in ClinVar:

ClinVar aggregate classification (germline): Uncertain significance (1 of 4 stars; one submission).

Allele frequency attached by ClinVar (database versions not stated): ExAC 0.00001.
gnomAD v4.1: 3 of 1,614,104 alleles (0.00019%); highest among the groups gnomAD compares: Non-Finnish European, 0.00025%; no homozygotes.

Submission:

GeneDx
Classification: Uncertain significance. Last evaluated: 2022-03-09. Review status: criteria provided, single submitter. Criteria: GeneDx Variant Classification Process June 2021. Collection method: clinical testing. Allele origin: germline. Affected: yes.
Comment: Not observed at significant frequency in large population cohorts (gnomAD); In silico analysis supports that this missense variant does not alter protein structure/function; Has not been previously published as pathogenic or benign to our knowledge

NM_024009.3(GJB3):c.295G>A (p.Glu99Lys)

Gene: GJB3 (gap junction protein beta 3; plus strand). Cytogenetic location: 1p34.3.
Variant type: single nucleotide variant.
Coding change: c.295G>A on transcript NM_024009.3 (MANE Select); coding-DNA position 295, G replaced by A.
Protein change: p.Glu99Lys; replaces glutamic acid 99 with lysine.
Molecular consequence: missense variant.
Genome position (GRCh38, 1-based): chr1:34,785,057, G>A. VCF-style: chr1-34785057-G-A. GRCh37 (hg19) VCF-style: chr1-35250658-G-A.
Other names: c.295G>A, p.Glu99Lys (NM_001005752.2); short protein forms E99K.
Identifiers: ClinVar variation 1704694 (VCV001704694.2), dbSNP rs771889003, ClinGen allele CA754797.